The following is an entry in ClinVar:

ClinVar aggregate classification (germline): Conflicting classifications of pathogenicity. Review status: criteria provided, conflicting classifications (1 of 4 stars). 2 submissions from 2 submitters: Uncertain significance (1); Likely benign (1). Last evaluated 2025-04-28.

Conditions:
Inborn genetic diseases. Identifiers: MedGen C0950123, MeSH D030342.

Allele frequency attached by ClinVar (database versions not stated): gnomAD exomes 0.00001; gnomAD 0.00003; ExAC 0.00005.
gnomAD v4.1: 18 of 1,614,174 alleles (0.0011%); highest among the groups gnomAD compares: East Asian, 0.033%; no homozygotes.

Submissions (2):

Labcorp Genetics (formerly Invitae), Labcorp
Classification: Uncertain significance. Last evaluated: 2025-04-28. Review status: criteria provided, single submitter. Criteria: Invitae Variant Classification Sherloc (09022015). Collection method: clinical testing. Allele origin: germline.
Comment: This sequence change replaces isoleucine, which is neutral and non-polar, with valine, which is neutral and non-polar, at codon 1753 of the CDK5RAP2 protein (p.Ile1753Val). This variant is present in population databases (rs545646890, gnomAD 0.07%). This variant has not been reported in the literature in individuals affected with CDK5RAP2-related conditions. ClinVar contains an entry for this variant (Variation ID: 1903698). An algorithm developed to predict the effect of missense changes on protein structure and function outputs the following: PolyPhen-2: "Benign". The valine amino acid residue is found in multiple mammalian species, which suggests that this missense change does not adversely affect protein function. In summary, the available evidence is currently insufficient to determine the role of this variant in disease. Therefore, it has been classified as a Variant of Uncertain Significance.

Ambry Genetics
Classification: Likely benign for Inborn genetic diseases. Last evaluated: 2024-05-26. Review status: criteria provided, single submitter. Criteria: Ambry Variant Classification Scheme 2023. Collection method: clinical testing. Allele origin: germline.

NM_018249.6(CDK5RAP2):c.5257A>G (p.Ile1753Val)

Gene: CDK5RAP2 (CDK5 regulatory subunit associated protein 2; minus strand). Cytogenetic location: 9q33.2.
Variant type: single nucleotide variant.
Coding change: c.5257A>G on transcript NM_018249.6 (MANE Select); coding-DNA position 5257, A replaced by G.
Protein change: p.Ile1753Val; replaces isoleucine 1753 with valine.
Molecular consequence: missense variant. On other transcripts: non-coding transcript variant (5).
Genome position (GRCh38, 1-based): chr9:120,402,856, T>C on the plus strand (A>G on the coding strand, the complement: CDK5RAP2 is on the minus strand). VCF-style: chr9-120402856-T-C. GRCh37 (hg19) VCF-style: chr9-123165134-T-C.
Other names: c.5257A>G (NM_018249.4); c.5020A>G, p.Ile1674Val (NM_001011649.3); c.4567A>G, p.Ile1523Val (NM_001272039.2); c.5158A>G, p.Ile1720Val (NM_001410992.1); c.5161A>G, p.Ile1721Val (NM_001410993.1); c.5254A>G, p.Ile1752Val (NM_001410994.1); short protein forms I1674V, I1720V, I1721V, I1523V, I1752V, I1753V.
Identifiers: ClinVar variation 1903698 (VCV001903698.6), dbSNP rs545646890, ClinGen allele CA5213332.
Genomic context (GRCh38, chr9:120,402,856, plus strand): 5'-GTCAGGTTACCTTTGTTCCCAGCTCTTGACTTGTGGAGCTGGGAGCCTCTTGGGTTTGAA[T>C]GTCCATTTCAGCAAGGAGCCTCTGTCCCTGGCTGATCTGTTTGAGCAGGGCCTCATAGTC-3'
Protein context (NP_060719.4, residues 1743-1763): QGQRLLAEMD[Ile1753Val]QTQEAPSSTS